The following is an entry in ClinVar:

NC_000001.11:g.45329096_45333380delinsTA

Gene: MUTYH (mutY DNA glycosylase; minus strand). Cytogenetic location: 1p34.1.
Variant type: Indel.
Genome position: GRCh38: chr1:45,329,096-45,333,380. GRCh37 (hg19): chr1:45,794,768-45,799,052.
Other names: c.348+33_*210delinsTA; EX3-16DEL.
Identifiers: ClinVar variation 30441 (VCV000030441.5), ClinGen allele CA259818.

ClinVar aggregate classification (germline): Pathogenic. Review status: no assertion criteria provided (0 of 4 stars). 2 submissions from 2 submitters: Pathogenic (1). 1 of the submissions does not count toward it. Last evaluated 2011-09-01.

Conditions:
Familial adenomatous polyposis 2. Also called: ADENOMAS, MULTIPLE COLORECTAL, AUTOSOMAL RECESSIVE; MUTYH Polyposis; Adenomas, multiple colorectal; FAP type 2; MYH-associated polyposis; MUTYH-related attenuated familial adenomatous polyposis. Identifiers: Orphanet 220460, Orphanet 247798, MedGen C3272841, MONDO:0012041, OMIM 608456.

Submissions (2):

OMIM
Classification: Pathogenic for FAMILIAL ADENOMATOUS POLYPOSIS 2. Last evaluated: 2011-09-01. Review status: no assertion criteria provided. Collection method: literature only. Allele origin: germline.

GeneReviews
No classification provided. Condition: Familial adenomatous polyposis 2. Review status: no classification provided. Collection method: literature only. Allele origin: germline. Not counted in ClinVar's aggregate classification.
Comment: Common in Spanish, Brazilian, and French populations

Literature cited by the submitters: PubMed 21815886 (cited by OMIM and GeneReviews); PubMed 21962078 (cited by GeneReviews); PubMed 24953332 (cited by GeneReviews).